The following is an entry in ClinVar:

NM_000051.4(ATM):c.2709C>T (p.Phe903=)

Gene: ATM (ATM serine/threonine kinase; plus strand). Cytogenetic location: 11q22.3.
Variant type: single nucleotide variant.
Coding change: c.2709C>T on transcript NM_000051.4 (MANE Select); coding-DNA position 2709, C replaced by T.
Protein change: p.Phe903=; no amino-acid change (phenylalanine 903 retained).
Molecular consequence: synonymous variant.
Genome position (GRCh38, 1-based): chr11:108,268,480, C>T. VCF-style: chr11-108268480-C-T. GRCh37 (hg19) VCF-style: chr11-108139207-C-T.
Other names: c.2709C>T, p.Phe903= (NM_001351834.2); c.2709C>T (NM_000051.3).
Identifiers: ClinVar variation 1111052 (VCV001111052.11), dbSNP rs2135524508, ClinGen allele CA476673840.
Genomic context (GRCh38, chr11:108,268,480, plus strand): 5'-TCCTTTAGCTGAAGAATATCTGTCAAAGCAAGATCTACTTTTCTTAGACATGCTCAAGTT[C>T]TTGTGTTTGTGTGTAACTACTGCTCAGACCAATACTGTGTCCTTTAGGGCAGCTGATATT-3'
Protein context (NP_000042.3, residues 893-913): QDLLFLDMLK[Phe903=]LCLCVTTAQT

ClinVar aggregate classification (germline): Benign/Likely benign. Review status: criteria provided, multiple submitters, no conflicts (2 of 4 stars). 3 submissions from 3 submitters: Benign (1); Likely benign (2). Last evaluated 2025-09-19.

Conditions:
Ataxia-telangiectasia syndrome (AT). Also called: Ataxia-telangiectasia, complementation group D; Ataxia telangiectasia (A-T); LOUIS-BAR SYNDROME; AT, COMPLEMENTATION GROUP C; Ataxia-telangiectasia; ATAXIA-TELANGIECTASIA, COMPLEMENTATION GROUP A. Identifiers: Orphanet 100, MedGen C0004135, MONDO:0008840, OMIM 208900.
Hereditary cancer-predisposing syndrome. Also called: Hereditary neoplastic syndrome; Tumor predisposition; Neoplastic Syndromes, Hereditary; Hereditary Cancer Syndrome. Identifiers: Orphanet 140162, MedGen C0027672, MeSH D009386, MONDO:0015356.
Familial cancer of breast. Also called: Hereditary breast cancer; hereditary breast carcinoma; BREAST CANCER, FAMILIAL. Identifiers: Orphanet 227535, MedGen C0346153, MONDO:0016419, OMIM 114480. Disease mechanism: loss of function.

Submissions (3):

Ambry Genetics
Classification: Likely benign for Hereditary cancer-predisposing syndrome. Last evaluated: 2025-09-19. Review status: criteria provided, single submitter. Criteria: Ambry Variant Classification Scheme 2023. Collection method: clinical testing. Allele origin: germline.

Myriad Genetics, Inc.
Classification: Benign for Familial cancer of breast. Last evaluated: 2024-05-10. Review status: criteria provided, single submitter. Criteria: Myriad Autosomal Dominant, Autosomal Recessive and X-Linked Classification Criteria (2023). Collection method: clinical testing. Allele origin: unknown.
Comment: This variant is considered benign. This variant is a silent/synonymous amino acid change and it is not expected to impact splicing.

Labcorp Genetics (formerly Invitae), Labcorp
Classification: Likely benign for Ataxia-telangiectasia syndrome. Last evaluated: 2020-02-15. Review status: criteria provided, single submitter. Criteria: Invitae Variant Classification Sherloc (09022015). Collection method: clinical testing. Allele origin: germline.